The following is an entry in ClinVar:

NM_005654.6(NR2F1):c.453G>A (p.Met151Ile)

Genes: NR2F1-AS1 (NR2F1 regulatory antisense RNA 1; minus strand), NR2F1 (nuclear receptor subfamily 2 group F member 1; plus strand). Cytogenetic location: 5q15.
Variant type: single nucleotide variant.
Coding change: c.453G>A on transcript NM_005654.6 (MANE Select); coding-DNA position 453, G replaced by A.
Protein change: p.Met151Ile; replaces methionine 151 with isoleucine.
Molecular consequence: missense variant. On other transcripts: non-coding transcript variant (8).
Genome position (GRCh38, 1-based): chr5:93,585,476, G>A. VCF-style: chr5-93585476-G-A. GRCh37 (hg19) VCF-style: chr5-92921182-G-A.
Other names: short protein forms M151I.
Identifiers: ClinVar variation 3024254 (VCV003024254.2), dbSNP rs1580358677, ClinGen allele CA360526326.

ClinVar aggregate classification (germline): Pathogenic/Likely pathogenic. Review status: criteria provided, multiple submitters, no conflicts (2 of 4 stars). 2 submissions from 2 submitters: Pathogenic (1); Likely pathogenic (1). Last evaluated 2026-07-01.

Conditions:
Bosch-Boonstra-Schaaf optic atrophy syndrome (BBSOAS). Also called: NR2F1-Related Neurodevelopmental Disorder. Identifiers: Orphanet 401777, MedGen C3810363, MONDO:0014320, OMIM 615722.

Submissions (2):

Victorian Clinical Genetics Services, Murdoch Childrens Research Institute
Classification: Pathogenic for Bosch-Boonstra-Schaaf optic atrophy syndrome. Last evaluated: 2026-07-01. Review status: criteria provided, single submitter. Criteria: ACMG Guidelines, 2015. Collection method: clinical testing. Allele origin: germline. Affected: yes.
Comment: This variant is classified as Pathogenic. Evidence in support of pathogenic classification: Variant is absent from gnomAD (v2, v3 and v4); This variant has strong previous evidence of pathogenicity in unrelated individuals. This variant, and an alternate nucleotide change resulting in the same amino acid outcome, have been observed de novo and classified as likely pathogenic by clinical laboratories in ClinVar; Other missense variants comparable to the one identified in this case have strong previous evidence for pathogenicity. The p.(Met151Thr) and p.(Met151Lys) variants have been classified as likely pathogenic and pathogenic, respectively, by clinical laboratories in ClinVar. In addition, the p.(Met151Thr), p.(Met151Lys), and p.(Met151Arg) variants have been reported in the literature in individuals with NR2F1-related features, including de novo observations (PMIDs: 40740960, 40025604, 33287870); Variant is located in the well-established zinc finger, C4 type domain. Pathogenic variants are commonly reported in this domain (PMIDs: 24462372, 26986877, 28963436); Missense variant predicted to be damaging by in silico tool(s) or highly conserved with a major amino acid change; Additional information: Variant is predicted to result in a missense amino acid change from Met to Ile; This variant is heterozygous; This gene is associated with autosomal dominant disease; No published evidence of segregation with disease has been identified for this variant; No published functional evidence has been identified for this variant; Loss of function is a known mechanism of disease in this gene and is associated with Bosch-Boonstra-Schaaf optic atrophy syndrome (MIM#615722; PMIDs: 24462372, 26986877). However, a dominant-negative mechanism has been proposed for variants in the DNA binding domain of the protein (PMIDs: 26986877, 32275123).

Molecular Genetics Lab, CHRU Brest
Classification: Likely pathogenic for Bosch-Boonstra-Schaaf optic atrophy syndrome. Review status: criteria provided, single submitter. Criteria: ACMG Guidelines, 2015. Collection method: clinical testing. Allele origin: de novo. Affected: yes.

Literature cited by the submitters: PubMed 40740960 (cited by Victorian Clinical Genetics Services, Murdoch Childrens Research Institute); PubMed 28963436 (cited by Victorian Clinical Genetics Services, Murdoch Childrens Research Institute); PubMed 40025604 (cited by Victorian Clinical Genetics Services, Murdoch Childrens Research Institute); PubMed 32275123 (cited by Victorian Clinical Genetics Services, Murdoch Childrens Research Institute); PubMed 33287870 (cited by Victorian Clinical Genetics Services, Murdoch Childrens Research Institute); PubMed 24462372 (cited by Victorian Clinical Genetics Services, Murdoch Childrens Research Institute); PubMed 26986877 (cited by Victorian Clinical Genetics Services, Murdoch Childrens Research Institute).